The following is an entry in ClinVar:

ClinVar aggregate classification (germline): Benign (1 of 4 stars; one submission).

Conditions:
Ulnar-mammary syndrome (UMS). Also called: SCHINZEL SYNDROME; Ulnar-mammary syndrome of Pallister; PALLISTER ULNAR-MAMMARY SYNDROME. Identifiers: Orphanet 3138, MedGen C1866994, MONDO:0008411, OMIM 181450.

Allele frequency attached by ClinVar (database versions not stated): gnomAD exomes 0.00140; gnomAD 0.00604 and 0.00652; 1000 Genomes Project 0.00679; TOPMed 0.00681; 1000 Genomes Project 30x 0.00687.

Submission:

Illumina Laboratory Services, Illumina
Classification: Benign for Ulnar-mammary syndrome. Last evaluated: 2018-01-12. Review status: criteria provided, single submitter. Criteria: ICSL Variant Classification Criteria 13 December 2019. Collection method: clinical testing. Allele origin: germline.
Comment: This variant was observed in the ICSL laboratory as part of a predisposition screen in an ostensibly healthy population. It had not been previously curated by ICSL or reported in the Human Gene Mutation Database (HGMD: prior to June 1st, 2018), and was therefore a candidate for classification through an automated scoring system. Utilizing variant allele frequency, disease prevalence and penetrance estimates, and inheritance mode, an automated score was calculated to assess if this variant is too frequent to cause the disease. Based on the score and internal cut-off values, a variant classified as benign is not then subjected to further curation. The score for this variant resulted in a classification of benign for this disease.

NM_005996.4(TBX3):c.*1264C>G

Gene: TBX3 (T-box transcription factor 3; minus strand). Cytogenetic location: 12q24.21.
Variant type: single nucleotide variant.
Coding change: c.*1264C>G on transcript NM_005996.4 (MANE Select); 1264 bases downstream of the stop codon, C replaced by G.
Molecular consequence: 3 prime UTR variant.
Genome position (GRCh38, 1-based): chr12:114,670,577, G>C on the plus strand (C>G on the coding strand, the complement: TBX3 is on the minus strand). VCF-style: chr12-114670577-G-C. GRCh37 (hg19) VCF-style: chr12-115108382-G-C.
Other names: c.*1264C>G (NM_016569.4).
Identifiers: ClinVar variation 307330 (VCV000307330.5), dbSNP rs146480305, ClinGen allele CA10636558.